The following is an entry in ClinVar:

NM_000355.4(TCN2):c.416A>G (p.Lys139Arg)

Gene: TCN2 (transcobalamin 2; plus strand). Cytogenetic location: 22q12.2.
Variant type: single nucleotide variant.
Coding change: c.416A>G on transcript NM_000355.4 (MANE Select); coding-DNA position 416, A replaced by G.
Protein change: p.Lys139Arg; replaces lysine 139 with arginine.
Molecular consequence: missense variant. On other transcripts: intron variant (1).
Genome position (GRCh38, 1-based): chr22:30,613,031, A>G. VCF-style: chr22-30613031-A-G. GRCh37 (hg19) VCF-style: chr22-31009018-A-G.
Other names: c.346+70A>G (NM_001184726.2); short protein forms K139R.
Identifiers: ClinVar variation 2076793 (VCV002076793.4), dbSNP rs1569039687, ClinGen allele CA411209359.

ClinVar aggregate classification (germline): Uncertain significance (1 of 4 stars; one submission).

Conditions:
Transcobalamin II deficiency (TCN2D). Also called: Transcolabamin II deficiency; TC II DEFICIENCY; TCN2 DEFICIENCY. Identifiers: Orphanet 859, MedGen C0342701, MONDO:0010149, OMIM 275350.

Allele frequency attached by ClinVar (database versions not stated): gnomAD exomes below 0.00001; TOPMed below 0.00001.

Submission:

Labcorp Genetics (formerly Invitae), Labcorp
Classification: Uncertain significance for Transcobalamin II deficiency. Last evaluated: 2023-11-08. Review status: criteria provided, single submitter. Criteria: Invitae Variant Classification Sherloc (09022015). Collection method: clinical testing. Allele origin: germline.
Comment: This sequence change replaces lysine, which is basic and polar, with arginine, which is basic and polar, at codon 139 of the TCN2 protein (p.Lys139Arg). This variant is present in population databases (no rsID available, gnomAD 0.003%). This variant has not been reported in the literature in individuals affected with TCN2-related conditions. ClinVar contains an entry for this variant (Variation ID: 2076793). Advanced modeling of protein sequence and biophysical properties (such as structural, functional, and spatial information, amino acid conservation, physicochemical variation, residue mobility, and thermodynamic stability) performed at Invitae indicates that this missense variant is expected to disrupt TCN2 protein function with a positive predictive value of 80%. Algorithms developed to predict the effect of sequence changes on RNA splicing suggest that this variant may create or strengthen a splice site. In summary, the available evidence is currently insufficient to determine the role of this variant in disease. Therefore, it has been classified as a Variant of Uncertain Significance.